The following is an entry in ClinVar:

NM_001360.3(DHCR7):c.1057del (p.Val353fs)

Gene: DHCR7 (7-dehydrocholesterol reductase; minus strand). Cytogenetic location: 11q13.4.
Variant type: Deletion.
Coding change: c.1057del on transcript NM_001360.3 (MANE Select); coding-DNA position 1057, one base deleted (G; older notation c.1057delG).
Protein change: p.Val353fs; shifts the reading frame from valine 353.
Molecular consequence: frameshift variant.
Genome position (GRCh38, 1-based): chr11:71,435,746, C deleted on the plus strand (G on the coding strand, the reverse complement: DHCR7 is on the minus strand); the first of 3 consecutive C bases (chr11:71,435,746-71,435,748); deleting any one gives the same sequence. VCF-style (leftmost placement, unchanged base first): chr11-71435745-AC-A. GRCh37 (hg19) VCF-style: chr11-71146791-AC-A.
Other names: c.1057delG (NM_001360.2, NM_001360.3); c.1057del, p.Val353fs (NM_001163817.2); short protein forms V353fs.
Identifiers: ClinVar variation 551481 (VCV000551481.17), dbSNP rs759720450, ClinGen allele CA6162326.
Genomic context (GRCh38, chr11:71,435,745, plus strand): 5'-CTGCCCCAGATGAGGCAGCGCCCATCCGTGCGGCGGAACAGGTCCTTCTGGTGGTTGGCC[AC>A]CCGGAAGATGTAGTAGCCCACCAGGCCCAGCAGCAGGACGCCCACGGCGTGCGGGGTGGA-3'

ClinVar aggregate classification (germline): Pathogenic/Likely pathogenic. Review status: criteria provided, multiple submitters, no conflicts (2 of 4 stars). 5 submissions from 5 submitters: Pathogenic (2); Likely pathogenic (2). 1 of the submissions does not count toward it. Last evaluated 2025-09-02.

Conditions:
Smith-Lemli-Opitz syndrome (SLOS). Also called: 7-Dehydrocholesterol reductase deficiency; LETHAL ACRODYSGENITAL SYNDROME; POLYDACTYLY, SEX REVERSAL, RENAL HYPOPLASIA, AND UNILOBAR LUNG; RSH SYNDROME; RUTLEDGE LETHAL MULTIPLE CONGENITAL ANOMALY SYNDROME. Identifiers: Orphanet 818, MedGen C0175694, MONDO:0010035, OMIM 270400.

Submissions (5):

Natera, Inc.
Classification: Likely pathogenic for Smith-Lemli-Opitz syndrome. Last evaluated: 2025-09-02. Review status: criteria provided, single submitter. Criteria: Natera Variant Classification Schema (03/2026). Collection method: clinical testing. Allele origin: germline.
Comment: The c.1057delG variant in DHCR7 is a frameshift variant predicted to shift the reading frame beginning at codon 353 and leads to a stop codon 60 codons downstream. This variant is expected to result in nonsense mediated decay, truncation, or a dysfunctional protein product. This variant is rare in the general population with a frequency below the threshold expected for the associated phenotype(s). Given the available evidence, this variant is classified as Likely Pathogenic.

Women's Health and Genetics/Laboratory Corporation of America, LabCorp
Classification: Pathogenic for Smith-Lemli-Opitz syndrome. Last evaluated: 2024-12-02. Review status: criteria provided, single submitter. Criteria: LabCorp Variant Classification Summary - May 2015. Collection method: clinical testing. Allele origin: germline.
Comment: Variant summary: DHCR7 c.1057delG (p.Val353TrpfsX60) results in a premature termination codon and is expected to cause a truncation of the encoded protein, which is a commonly known mechanism for disease. Variants downstream of this position have been classified as pathogenic by our laboratory. The variant allele was found at a frequency of 4e-06 in 248962 control chromosomes. c.1057delG has been reported in the literature in at least one individual affected with Smith-Lemli-Opitz Syndrome (e.g. Waterham_2000). To our knowledge, no experimental evidence demonstrating an impact on protein function has been reported. The following publication has been ascertained in the context of this evaluation (PMID: 11111101). ClinVar contains an entry for this variant (Variation ID: 551481). Based on the evidence outlined above, the variant was classified as pathogenic.

Labcorp Genetics (formerly Invitae), Labcorp
Classification: Pathogenic for Smith-Lemli-Opitz syndrome. Last evaluated: 2024-07-19. Review status: criteria provided, single submitter. Criteria: Invitae Variant Classification Sherloc (09022015). Collection method: clinical testing. Allele origin: germline.
Comment: This sequence change creates a premature translational stop signal (p.Val353Trpfs*60) in the DHCR7 gene. While this is not anticipated to result in nonsense mediated decay, it is expected to disrupt the last 123 amino acid(s) of the DHCR7 protein. This variant is present in population databases (rs759720450, gnomAD 0.0009%). This premature translational stop signal has been observed in individual(s) with Smith-Lemli-Opitz syndrome (PMID: 11111101). ClinVar contains an entry for this variant (Variation ID: 551481). This variant disrupts a region of the DHCR7 protein in which other variant(s) (p.Tyr382*) have been determined to be pathogenic (Invitae). This suggests that this is a clinically significant region of the protein, and that variants that disrupt it are likely to be disease-causing. For these reasons, this variant has been classified as Pathogenic.

Fulgent Genetics
Classification: Likely pathogenic for Smith-Lemli-Opitz syndrome. Last evaluated: 2024-01-29. Review status: criteria provided, single submitter. Criteria: ACMG Guidelines, 2015. Collection method: clinical testing. Allele origin: germline.

Counsyl
Classification: Likely pathogenic for Smith-Lemli-Opitz syndrome. Last evaluated: 2017-04-12. Review status: no assertion criteria provided. Collection method: clinical testing. Allele origin: unknown. Not counted in ClinVar's aggregate classification.

Literature cited by the submitters: PubMed 11111101 (cited by 3 submitters).